The following is an entry in ClinVar:

GRCh38/hg38 15q11.2(chr15:22581937-23102647)x1

Genes: CYFIP1 (cytoplasmic FMR1 interacting protein 1; minus strand), NIPA1 (NIPA magnesium transporter 1; plus strand), NIPA2 (NIPA magnesium transporter 2; plus strand), TUBGCP5 (tubulin gamma complex component 5; minus strand), LOC112272575 (Sharpr-MPRA regulatory region 8478; plus strand) and 15 more. Cytogenetic location: 15q11.2.
Variant type: copy number loss.
Change: copy number 1 (one copy instead of two) of chr15:22,581,937-23,102,647 (520.7 kb, GRCh38 coordinates, 1-based), cytogenetic band 15q11.2.
Identifiers: ClinVar variation 155485 (VCV000155485.3).

ClinVar aggregate classification (germline): conflicting data from submitters (0 of 4 stars; one submission).

Submission:

ISCA site 1
Classification: conflicting data from submitters. Last evaluated: 2016-02-01. Review status: no assertion criteria provided. Collection method: clinical testing. Allele origin: unknown, maternal, paternal. Affected: yes. Observed: 6 variant alleles. Clinical features observed: Cleft palate (HP:0000175), Intellectual disability (HP:0001249), Abnormal facial shape (HP:0002260), obsolete Malformation of the heart and great vessels (HP:0002564), Global developmental delay (HP:0001263), Abnormality of the face (HP:0000271), Behavioral abnormality (HP:0000708), Microcephaly (HP:0000252).
Comment: Uncertain significance(3), Likely benign (3)

Copy number variation identified through the course of routine clinical cytogenomic testing in postnatal populations, with clinical assertions as classified by the original submitter. For data from the original published study, Kaminsky, et al. 2011 (PubMed 21844811), please see nstd101.